The following is an entry in ClinVar:

ClinVar aggregate classification (germline): Likely pathogenic (1 of 4 stars; one submission).

Conditions:
Atrophia bulborum hereditaria (ND). Also called: EPISKOPI BLINDNESS; Pseudoglioma; Norrie syndrome; Norrie-Warburg syndrome; Anderson-Warburg syndrome; Fetal iritis syndrome. Identifiers: Orphanet 649, MedGen C0266526, MONDO:0010691, OMIM 310600, HP:6000262.

Submission:

Institute of Medical Genetics and Genomics, Sir Ganga Ram Hospital
Classification: Likely pathogenic for Atrophia bulborum hereditaria. Last evaluated: 2024-12-13. Review status: criteria provided, single submitter. Criteria: ACMG Guidelines, 2015. Collection method: clinical testing. Allele origin: germline. Inheritance: X-linked inheritance. Affected: yes. Observed: 1 hemizygote.
Comment: The identified hemizygous variant in NDP gene is located in critical hot-spot region[PM1] and is completely absent from the normal population database[PM2]. In-silico tools predicts it to be damaging with alpha Missense score of 0.994[PP3] and this was highly specific to the patient phenotype[PP4] thus being classified as likely pathogenic

NM_000266.4(NDP):c.143T>C (p.Ile48Thr)

Genes: NDP-AS1 (NDP antisense RNA 1; plus strand), NDP (norrin cystine knot growth factor NDP; minus strand). Cytogenetic location: Xp11.3.
Variant type: single nucleotide variant.
Coding change: c.143T>C on transcript NM_000266.4 (MANE Select); coding-DNA position 143, T replaced by C.
Protein change: p.Ile48Thr; replaces isoleucine 48 with threonine.
Molecular consequence: missense variant.
Genome position (GRCh38, 1-based): chrX:43,958,503, A>G on the plus strand (T>C on the coding strand, the complement: NDP is on the minus strand). VCF-style: chrX-43958503-A-G. GRCh37 (hg19) VCF-style: chrX-43817749-A-G.
Other names: short protein forms I48T.
Identifiers: ClinVar variation 3390853 (VCV003390853.2).
Genomic context (GRCh38, chrX:43,958,503, plus strand): 5'-TGCTCTCCTCACAGAGACCTTGGTCTTACCTTTGAGCTACACTTGTACAATGGGTGACTG[A>G]TAGAATCCACATAGTGGTGCCTCATGCAGCGTCGAGGGTCCGAGTCCATTATGAATGAGC-3'
Protein context (NP_000257.1, residues 38-58): RCMRHHYVDS[Ile48Thr]SHPLYKCSSK